The following is an entry in ClinVar:

ClinVar aggregate classification (germline): Pathogenic (0 of 4 stars; one submission).

Conditions:
Hyperekplexia 1 (STHE). Also called: STARTLE DISEASE, FAMILIAL; STIFF-BABY SYNDROME; STIFF-MAN SYNDROME, CONGENITAL; STIFF-PERSON SYNDROME, CONGENITAL; EXAGGERATED STARTLE REACTION; KOK DISEASE. Identifiers: Orphanet 3197, MedGen C4551954, MONDO:0007868, OMIM 149400.

Submission:

GeneReviews
Classification: Pathogenic for Hyperekplexia. Last evaluated: 2012-10-04. Review status: no assertion criteria provided. Collection method: curation. Allele origin: unknown.
ClinVar note: Converted during submission from pathologic to Pathogenic.

NM_000171.4(GLRA1):c.892T>A (p.Ser298Thr)

Gene: GLRA1 (glycine receptor alpha 1; minus strand). Cytogenetic location: 5q33.1.
Variant type: single nucleotide variant.
Coding change: c.892T>A on transcript NM_000171.4 (MANE Select); coding-DNA position 892, T replaced by A.
Protein change: p.Ser298Thr; replaces serine 298 with threonine.
Molecular consequence: missense variant.
Genome position (GRCh38, 1-based): chr5:151,851,410, A>T on the plus strand (T>A on the coding strand, the complement: GLRA1 is on the minus strand). VCF-style: chr5-151851410-A-T. GRCh37 (hg19) VCF-style: chr5-151230971-A-T.
Other names: T1188A; c.892T>A, p.Ser298Thr (NM_001146040.2); c.643T>A, p.Ser215Thr (NM_001292000.2); short protein forms S298T, S215T.
Identifiers: ClinVar variation 38333 (VCV000038333.3), dbSNP rs281864920, ClinGen allele CA342959.
Genomic context (GRCh38, chr5:151,851,410, plus strand): 5'-TTTGTCCAGGTGTTCTGTGCTCTTGGGCAATGGGACTTACCTTGGGCAGAGATGCTCGAG[A>T]GCCGGAGCTCTGGGTGGTCATGGTGAGCACAGTGGTGATGCCTAGGCCCACACGAGCAGG-3'
Protein context (NP_000162.2, residues 288-308): VLTMTTQSSG[Ser298Thr]RASLPKVSYV